The following is an entry in ClinVar:

ClinVar aggregate classification (germline): Uncertain significance. Review status: criteria provided, multiple submitters, no conflicts (2 of 4 stars). 2 submissions from 2 submitters: Uncertain significance (2). Last evaluated 2022-09-01.

Conditions:
Neuronal ceroid lipofuscinosis. Also called: Neuronal Ceroid Lipofuscinoses. Identifiers: Orphanet 216, Orphanet 79263, MedGen C0027877, MONDO:0016295. Disease mechanism: loss of function.
Neuronal ceroid lipofuscinosis 8 (CLN8). Also called: CLN8-Related Neuronal Ceroid-Lipofuscinosis. Identifiers: Orphanet 168491, Orphanet 228354, Orphanet 79264, MedGen C1838570, MONDO:0010830, OMIM 600143.

Submissions (2):

3billion
Classification: Uncertain significance for Neuronal ceroid lipofuscinosis 8. Last evaluated: 2022-09-01. Review status: criteria provided, single submitter. Criteria: ACMG Guidelines, 2015. Collection method: clinical testing. Allele origin: germline. Affected: yes. Observed: 1 heterozygote.
Comment: The variant is not observed in the gnomAD v2.1.1 dataset. In silico tool predictions suggest damaging effect of the variant on gene or gene product (REVEL: 0.89; 3Cnet: 0.99). Therefore, this variant is classified as uncertain significance according to the recommendation of ACMG/AMP guideline.

Labcorp Genetics (formerly Invitae), Labcorp
Classification: Uncertain significance for Neuronal ceroid lipofuscinosis. Last evaluated: 2021-11-11. Review status: criteria provided, single submitter. Criteria: Invitae Variant Classification Sherloc (09022015). Collection method: clinical testing. Allele origin: germline.
Comment: This sequence change replaces proline, which is neutral and non-polar, with arginine, which is basic and polar, at codon 171 of the CLN8 protein (p.Pro171Arg). This variant is not present in population databases (gnomAD no frequency). This variant has not been reported in the literature in individuals affected with CLN8-related conditions. Advanced modeling of protein sequence and biophysical properties (such as structural, functional, and spatial information, amino acid conservation, physicochemical variation, residue mobility, and thermodynamic stability) performed at Invitae indicates that this missense variant is expected to disrupt CLN8 protein function. In summary, the available evidence is currently insufficient to determine the role of this variant in disease. Therefore, it has been classified as a Variant of Uncertain Significance.

NM_018941.4(CLN8):c.512C>G (p.Pro171Arg)

Gene: CLN8 (CLN8 transmembrane ER and ERGIC protein; plus strand). Cytogenetic location: 8p23.3.
Variant type: single nucleotide variant.
Coding change: c.512C>G on transcript NM_018941.4 (MANE Select); coding-DNA position 512, C replaced by G.
Protein change: p.Pro171Arg; replaces proline 171 with arginine.
Molecular consequence: missense variant.
Genome position (GRCh38, 1-based): chr8:1,771,566, C>G. VCF-style: chr8-1771566-C-G. GRCh37 (hg19) VCF-style: chr8-1719732-C-G.
Other names: short protein forms P171R.
Identifiers: ClinVar variation 1379395 (VCV001379395.7), dbSNP rs1184115888, ClinGen allele CA369953717.